The following is an entry in ClinVar:

NM_005263.5(GFI1):c.736A>G (p.Thr246Ala)

Gene: GFI1 (growth factor independent 1 transcriptional repressor; minus strand). Cytogenetic location: 1p22.1.
Variant type: single nucleotide variant.
Coding change: c.736A>G on transcript NM_005263.5 (MANE Select); coding-DNA position 736, A replaced by G.
Protein change: p.Thr246Ala; replaces threonine 246 with alanine.
Molecular consequence: missense variant.
Genome position (GRCh38, 1-based): chr1:92,480,651, T>C on the plus strand (A>G on the coding strand, the complement: GFI1 is on the minus strand). VCF-style: chr1-92480651-T-C. GRCh37 (hg19) VCF-style: chr1-92946208-T-C.
Other names: p.Thr246Ala; c.736A>G, p.Thr246Ala (NM_001127215.3, NM_001127216.3); c.736A>G (NM_005263.3); short protein forms T246A.
Identifiers: ClinVar variation 1042613 (VCV001042613.11), dbSNP rs764922701, ClinGen allele CA951330.

ClinVar aggregate classification (germline): Conflicting classifications of pathogenicity. Review status: criteria provided, conflicting classifications (1 of 4 stars). 5 submissions from 5 submitters: Uncertain significance (4); Likely benign (1). Last evaluated 2025-11-24.

Conditions:
Neutropenia, severe congenital, 2, autosomal dominant. Identifiers: Orphanet 486, MedGen C2751288, MONDO:0013139, OMIM 613107.

Allele frequency attached by ClinVar (database versions not stated): gnomAD 0.00005; TOPMed 0.00006; gnomAD exomes 0.00008 and 0.00012; ExAC 0.00011.
gnomAD v4.1: 181 of 1,590,494 alleles (0.011%); highest among the groups gnomAD compares: Non-Finnish European, 0.015%; no homozygotes.

Submissions (5):

Labcorp Genetics (formerly Invitae), Labcorp
Classification: Uncertain significance for Neutropenia, severe congenital, 2, autosomal dominant. Last evaluated: 2025-11-24. Review status: criteria provided, single submitter. Criteria: Invitae Variant Classification Sherloc (09022015). Collection method: clinical testing. Allele origin: germline.
Comment: This sequence change replaces threonine, which is neutral and polar, with alanine, which is neutral and non-polar, at codon 246 of the GFI1 protein (p.Thr246Ala). This variant is present in population databases (rs764922701, gnomAD 0.02%). This variant has not been reported in the literature in individuals affected with GFI1-related conditions. ClinVar contains an entry for this variant (Variation ID: 1042613). Invitae Evidence Modeling of protein sequence and biophysical properties (such as structural, functional, and spatial information, amino acid conservation, physicochemical variation, residue mobility, and thermodynamic stability) indicates that this missense variant is not expected to disrupt GFI1 protein function with a negative predictive value of 80%. In summary, the available evidence is currently insufficient to determine the role of this variant in disease. Therefore, it has been classified as a Variant of Uncertain Significance.

GeneDx
Classification: Uncertain significance. Last evaluated: 2025-03-18. Review status: criteria provided, single submitter. Criteria: GeneDx Variant Classification Process June 2021. Collection method: clinical testing. Allele origin: germline. Affected: yes.
Comment: In silico analysis indicates that this missense variant does not alter protein structure/function; Has not been previously published as pathogenic or benign to our knowledge

Ambry Genetics
Classification: Uncertain significance. Last evaluated: 2024-11-21. Review status: criteria provided, single submitter. Criteria: Ambry Variant Classification Scheme 2023. Collection method: clinical testing. Allele origin: germline.
Comment: The p.T246A variant (also known as c.736A>G), located in coding exon 3 of the GFI1 gene, results from an A to G substitution at nucleotide position 736. The threonine at codon 246 is replaced by alanine, an amino acid with similar properties. This amino acid position is conserved. In addition, this alteration is predicted to be tolerated by in silico analysis. Based on the available evidence, the clinical significance of this variant remains unclear.

Blueprint Genetics
Classification: Likely benign. Last evaluated: 2024-05-29. Review status: criteria provided, single submitter. Criteria: ACMG Guidelines, 2015. Collection method: clinical testing. Allele origin: germline.

Mayo Clinic Laboratories, Mayo Clinic
Classification: Uncertain significance. Last evaluated: 2023-04-24. Review status: criteria provided, single submitter. Criteria: ACMG Guidelines, 2015. Collection method: clinical testing. Allele origin: germline. Observed: 1 variant allele.
Comment: BP4